The following is an entry in ClinVar:

NM_000051.4(ATM):c.6452+6A>G

Genes: C11orf65 (chromosome 11 open reading frame 65; minus strand), ATM (ATM serine/threonine kinase; plus strand). Cytogenetic location: 11q22.3.
Variant type: single nucleotide variant.
Coding change: c.6452+6A>G on transcript NM_000051.4 (MANE Select); 6 bases into the intron after coding-DNA position 6452, A replaced by G.
Molecular consequence: intron variant.
Genome position (GRCh38, 1-based): chr11:108,320,064, A>G. VCF-style: chr11-108320064-A-G. GRCh37 (hg19) VCF-style: chr11-108190791-A-G.
Other names: c.6452+6A>G (NM_001351834.2); c.641-10993T>C (NM_001330368.2); c.*39-10993T>C (NM_001351110.2).
Identifiers: ClinVar variation 236752 (VCV000236752.19), dbSNP rs878853531, ClinGen allele CA10582839.

ClinVar aggregate classification (germline): Uncertain significance. Review status: criteria provided, single submitter (1 of 4 stars). 3 submissions from 3 submitters: Uncertain significance (1). 2 of the submissions do not count toward it. Last evaluated 2021-09-01.

Conditions:
Ataxia-telangiectasia syndrome (AT). Also called: Ataxia telangiectasia (A-T); Cerebello-oculocutaneous telangiectasia; Immunodeficiency with ataxia telangiectasia; LOUIS-BAR SYNDROME; AT, COMPLEMENTATION GROUP C; ATAXIA-TELANGIECTASIA, FRESNO VARIANT. Identifiers: Orphanet 100, MedGen C0004135, MONDO:0008840, OMIM 208900.

Submissions (3):

Labcorp Genetics (formerly Invitae), Labcorp
Classification: Uncertain significance for Ataxia-telangiectasia syndrome. Last evaluated: 2021-09-01. Review status: criteria provided, single submitter. Criteria: Invitae Variant Classification Sherloc (09022015). Collection method: clinical testing. Allele origin: germline.
Comment: This sequence change falls in intron 44 of the ATM gene. It does not directly change the encoded amino acid sequence of the ATM protein. It affects a nucleotide within the consensus splice site of the intron. This variant is not present in population databases (ExAC no frequency). This variant has not been reported in the literature in individuals affected with ATM-related conditions. ClinVar contains an entry for this variant (Variation ID: 236752). Variants that disrupt the consensus splice site are a relatively common cause of aberrant splicing (PMID: 17576681, 9536098). Algorithms developed to predict the effect of sequence changes on RNA splicing suggest that this variant is not likely to affect RNA splicing. In summary, the available evidence is currently insufficient to determine the role of this variant in disease. Therefore, it has been classified as a Variant of Uncertain Significance.

Natera, Inc.
Classification: Uncertain significance for Ataxia-telangiectasia. Last evaluated: 2020-03-24. Review status: no assertion criteria provided. Collection method: clinical testing. Allele origin: germline. Not counted in ClinVar's aggregate classification.

Counsyl
Classification: Uncertain significance for Ataxia-telangiectasia syndrome. Last evaluated: 2017-12-12. Review status: no assertion criteria provided. Collection method: clinical testing. Allele origin: unknown. Not counted in ClinVar's aggregate classification.

Literature cited by the submitters: PubMed 17576681 (cited by Labcorp Genetics (formerly Invitae), Labcorp); PubMed 9536098 (cited by Labcorp Genetics (formerly Invitae), Labcorp).